The following is an entry in ClinVar:

ClinVar aggregate classification (germline): Uncertain significance (1 of 4 stars; one submission).

Submission:

GeneDx
Classification: Uncertain significance. Last evaluated: 2023-05-08. Review status: criteria provided, single submitter. Criteria: GeneDx Variant Classification Process June 2021. Collection method: clinical testing. Allele origin: germline. Affected: yes.
Comment: Not observed at significant frequency in large population cohorts (gnomAD); In silico analysis supports that this missense variant has a deleterious effect on protein structure/function; Has not been previously published as pathogenic or benign to our knowledge

NM_170675.5(MEIS2):c.716G>C (p.Gly239Ala)

Gene: MEIS2 (Meis homeobox 2; minus strand). Cytogenetic location: 15q14.
Variant type: single nucleotide variant.
Coding change: c.716G>C on transcript NM_170675.5 (MANE Select); coding-DNA position 716, G replaced by C.
Protein change: p.Gly239Ala; replaces glycine 239 with alanine.
Molecular consequence: missense variant. On other transcripts: non-coding transcript variant (1).
Genome position (GRCh38, 1-based): chr15:37,083,809, C>G on the plus strand (G>C on the coding strand, the complement: MEIS2 is on the minus strand). VCF-style: chr15-37083809-C-G. GRCh37 (hg19) VCF-style: chr15-37376010-C-G.
Other names: c.716G>C, p.Gly239Ala (NM_001220482.2, NM_170674.5, NM_170676.5 and 1 more transcripts); c.677G>C, p.Gly226Ala (NM_002399.4, NM_172315.3); c.452G>C, p.Gly151Ala (NM_172316.3); short protein forms G151A, G226A, G239A.
Identifiers: ClinVar variation 2662224 (VCV002662224.1), dbSNP rs2505161521, ClinGen allele CA391927295.
Genomic context (GRCh38, chr15:37,083,809, plus strand): 5'-AGGAAAATGTTTGACCTTTTACCTTGCTCACTGCTGTTGTCTCCGCTCTGGGAAGCATGG[C>G]CCCCACTGGAGGGCCCTGGGGTGCCTGCTGAGTGGGTTGAGGTTGCATCATCGTGGTCTC-3'
Protein context (NP_733775.1, residues 229-249): SAGTPGPSSG[Gly239Ala]HASQSGDNSS